The following is an entry in ClinVar:

NM_018942.3(HMX1):c.570_581dup (p.Glu191_Gly194dup)

Gene: HMX1 (H6 family homeobox 1; minus strand). Cytogenetic location: 4p16.1.
Variant type: Duplication.
Coding change: c.570_581dup on transcript NM_018942.3 (MANE Select); coding-DNA positions 570 to 581, 12 bases duplicated (GGAGACACGCGG).
Protein change: p.Glu191_Gly194dup.
Molecular consequence: inframe insertion. On other transcripts: intron variant (1).
Genome position (GRCh38, 1-based): chr4:8,868,159-8,868,170, CCGCGTGTCTCC duplicated on the plus strand (GGAGACACGCGG on the coding strand, the reverse complement: HMX1 is on the minus strand); duplicating any 12 consecutive bases within chr4:8,868,159-8,868,172 gives the same sequence; the c. name uses the placement nearest the transcript's 3' end. VCF-style (leftmost placement, unchanged base first): chr4-8868158-G-GCCGCGTGTCTCC. GRCh37 (hg19) VCF-style: chr4-8869884-G-GCCGCGTGTCTCC.
Other names: c.394+3051_394+3062dup (NM_001306142.2).
Identifiers: ClinVar variation 1477470 (VCV001477470.3), dbSNP rs1560184219, ClinGen allele CA549711914.

ClinVar aggregate classification (germline): Uncertain significance (1 of 4 stars; one submission).

Submission:

Labcorp Genetics (formerly Invitae), Labcorp
Classification: Uncertain significance. Last evaluated: 2021-10-10. Review status: criteria provided, single submitter. Criteria: Invitae Variant Classification Sherloc (09022015). Collection method: clinical testing. Allele origin: germline.
Comment: This variant, c.570_581dup, results in the insertion of 4 amino acid(s) to the HMX1 protein (p.Glu191_Gly194dup), but otherwise preserves the integrity of the reading frame. The frequency data for this variant in the population databases is considered unreliable, as metrics indicate insufficient coverage at this position in the ExAC database. This variant has not been reported in the literature in individuals affected with HMX1-related conditions. Experimental studies and prediction algorithms are not available or were not evaluated, and the functional significance of this variant is currently unknown. In summary, the available evidence is currently insufficient to determine the role of this variant in disease. Therefore, it has been classified as a Variant of Uncertain Significance.